The following is an entry in ClinVar:

NM_001378452.1(ITPR1):c.361A>G (p.Ile121Val)

Gene: ITPR1 (inositol 1,4,5-trisphosphate receptor type 1; plus strand). Cytogenetic location: 3p26.1.
Variant type: single nucleotide variant.
Coding change: c.361A>G on transcript NM_001378452.1 (MANE Select); coding-DNA position 361, A replaced by G.
Protein change: p.Ile121Val; replaces isoleucine 121 with valine.
Molecular consequence: missense variant.
Genome position (GRCh38, 1-based): chr3:4,639,465, A>G. VCF-style: chr3-4639465-A-G. GRCh37 (hg19) VCF-style: chr3-4681149-A-G.
Other names: c.361A>G, p.Ile121Val (NM_001099952.4, NM_001168272.2, NM_002222.7); short protein forms I121V.
Identifiers: ClinVar variation 3602362 (VCV003602362.1).

ClinVar aggregate classification (germline): Uncertain significance (1 of 4 stars; one submission).

Submission:

GeneDx
Classification: Uncertain significance. Last evaluated: 2024-07-29. Review status: criteria provided, single submitter. Criteria: GeneDx Variant Classification Process June 2021. Collection method: clinical testing. Allele origin: germline. Affected: yes.
Comment: In silico analysis indicates that this missense variant does not alter protein structure/function; Has not been previously published as pathogenic or benign to our knowledge